The following is an entry in ClinVar:

ClinVar aggregate classification (germline): Uncertain significance. Review status: criteria provided, multiple submitters, no conflicts (2 of 4 stars). 2 submissions from 2 submitters: Uncertain significance (2). Last evaluated 2022-06-27.

Allele frequency attached by ClinVar (database versions not stated): gnomAD 0.00001 and 0.00003; gnomAD exomes 0.00001; TOPMed 0.00004; ESP Exome Variant Server 0.00008.
gnomAD v4.1: 17 of 1,609,846 alleles (0.0011%); highest among the groups gnomAD compares: Admixed American, 0.0017%; no homozygotes.

Submissions (2):

Labcorp Genetics (formerly Invitae), Labcorp
Classification: Uncertain significance. Last evaluated: 2022-06-27. Review status: criteria provided, single submitter. Criteria: Invitae Variant Classification Sherloc (09022015). Collection method: clinical testing. Allele origin: germline.
Comment: This sequence change replaces glycine, which is neutral and non-polar, with serine, which is neutral and polar, at codon 1266 of the SBF1 protein (p.Gly1266Ser). This variant is present in population databases (rs201774449, gnomAD 0.003%). This variant has not been reported in the literature in individuals affected with SBF1-related conditions. ClinVar contains an entry for this variant (Variation ID: 1305470). Algorithms developed to predict the effect of missense changes on protein structure and function output the following: SIFT: "Tolerated"; PolyPhen-2: "Benign"; Align-GVGD: "Class C0". The serine amino acid residue is found in multiple mammalian species, which suggests that this missense change does not adversely affect protein function. In summary, the available evidence is currently insufficient to determine the role of this variant in disease. Therefore, it has been classified as a Variant of Uncertain Significance.

GeneDx
Classification: Uncertain significance. Last evaluated: 2019-04-29. Review status: criteria provided, single submitter. Criteria: GeneDx Variant Classification Process June 2021. Collection method: clinical testing. Allele origin: germline. Affected: yes.
Comment: Not observed at a significant frequency in large population cohorts (Lek et al., 2016); In silico analysis, which includes protein predictors and evolutionary conservation, supports that this variant does not alter protein structure/function; Has not been previously published as pathogenic or benign to our knowledge

NM_002972.4(SBF1):c.3796G>A (p.Gly1266Ser)

Gene: SBF1 (SET binding factor 1; minus strand). Cytogenetic location: 22q13.33.
Variant type: single nucleotide variant.
Coding change: c.3796G>A on transcript NM_002972.4 (MANE Select); coding-DNA position 3796, G replaced by A.
Protein change: p.Gly1266Ser; replaces glycine 1266 with serine.
Molecular consequence: missense variant.
Genome position (GRCh38, 1-based): chr22:50,459,285, C>T on the plus strand (G>A on the coding strand, the complement: SBF1 is on the minus strand). VCF-style: chr22-50459285-C-T. GRCh37 (hg19) VCF-style: chr22-50897714-C-T.
Other names: c.3799G>A, p.Gly1267Ser (NM_001365819.1); short protein forms G1266S, G1267S.
Identifiers: ClinVar variation 1305470 (VCV001305470.4), dbSNP rs201774449, ClinGen allele CA325531591.